The following is an entry in ClinVar:

NM_000080.4(CHRNE):c.541G>A (p.Ala181Thr)

Genes: C17orf107 (chromosome 17 open reading frame 107; plus strand), CHRNE (cholinergic receptor nicotinic epsilon subunit; minus strand). Cytogenetic location: 17p13.2.
Variant type: single nucleotide variant.
Coding change: c.541G>A on transcript NM_000080.4 (MANE Select); coding-DNA position 541, G replaced by A.
Protein change: p.Ala181Thr; replaces alanine 181 with threonine.
Molecular consequence: missense variant. On other transcripts: 3 prime UTR variant (1).
Genome position (GRCh38, 1-based): chr17:4,901,585, C>T on the plus strand (G>A on the coding strand, the complement: CHRNE is on the minus strand). VCF-style: chr17-4901585-C-T. GRCh37 (hg19) VCF-style: chr17-4804880-C-T.
Other names: c.*1052C>T (NM_001145536.2); short protein forms A181T.
Identifiers: ClinVar variation 1984469 (VCV001984469.3), dbSNP rs751113232, ClinGen allele CA8314365.

ClinVar aggregate classification (germline): Uncertain significance (1 of 4 stars; one submission).

Conditions:
Congenital myasthenic syndrome 4A. Also called: Myasthenic syndrome, congenital, 4a, slow-channel; MYASTHENIC SYNDROME, CONGENITAL, 4A, SLOW-CHANNEL, AUTOSOMAL RECESSIVE; CONGENITAL MYASTHENIC SYNDROME TYPE Ia1. Identifiers: Orphanet 590, MedGen C4225413, MONDO:0011600, OMIM 605809.

Allele frequency attached by ClinVar (database versions not stated): ExAC 0.00001.

Submission:

Labcorp Genetics (formerly Invitae), Labcorp
Classification: Uncertain significance for Congenital myasthenic syndrome 4A. Last evaluated: 2025-12-15. Review status: criteria provided, single submitter. Criteria: Invitae Variant Classification Sherloc (09022015). Collection method: clinical testing. Allele origin: germline.
Comment: This sequence change replaces alanine, which is neutral and non-polar, with threonine, which is neutral and polar, at codon 181 of the CHRNE protein (p.Ala181Thr). This variant is present in population databases (rs751113232, gnomAD 0.0009%). This variant has not been reported in the literature in individuals affected with CHRNE-related conditions. ClinVar contains an entry for this variant (Variation ID: 1984469). Invitae Evidence Modeling of protein sequence and biophysical properties (such as structural, functional, and spatial information, amino acid conservation, physicochemical variation, residue mobility, and thermodynamic stability) indicates that this missense variant is not expected to disrupt CHRNE protein function with a negative predictive value of 95%. In summary, the available evidence is currently insufficient to determine the role of this variant in disease. Therefore, it has been classified as a Variant of Uncertain Significance.